The following is an entry in ClinVar:

NM_000133.4(F9):c.785T>C (p.Ile262Thr)

Gene: F9 (coagulation factor IX; plus strand). Cytogenetic location: Xq27.1.
Variant type: single nucleotide variant.
Coding change: c.785T>C on transcript NM_000133.4 (MANE Select); coding-DNA position 785, T replaced by C.
Protein change: p.Ile262Thr; replaces isoleucine 262 with threonine.
Molecular consequence: missense variant.
Genome position (GRCh38, 1-based): chrX:139,560,802, T>C. VCF-style: chrX-139560802-T-C. GRCh37 (hg19) VCF-style: chrX-138642961-T-C.
Other names: c.671T>C, p.Ile224Thr (NM_001313913.2); short protein forms I224T, I262T.
Identifiers: ClinVar variation 5004694 (VCV005004694.1).

ClinVar aggregate classification (germline): Likely pathogenic (1 of 4 stars; one submission).

Conditions:
Hereditary factor IX deficiency disease (HEMB). Also called: Christmas Disease; Hemophilia B; F9 DEFICIENCY; FACTOR IX DEFICIENCY; PLASMA THROMBOPLASTIN COMPONENT DEFICIENCY. Identifiers: Orphanet 98879, MedGen C0008533, MeSH D002836, MONDO:0010604, OMIM 306900.

Submission:

Myriad Genetics, Inc.
Classification: Likely pathogenic for Hereditary factor IX deficiency disease. Last evaluated: 2026-05-20. Review status: criteria provided, single submitter. Criteria: Myriad Autosomal Dominant, Autosomal Recessive and X-Linked Classification Criteria (2023). Collection method: clinical testing. Allele origin: unknown.
Comment: NM_000133.3(F9):c.785T>C(I262T) is a missense variant classified as likely pathogenic in the context of hemophilia B. I262T has been observed in cases with relevant disease (PMID: 1873221, 15086324, 2198809, 29296726). Relevant functional assessments of this variant are not available in the literature. I262T has not been observed in referenced population frequency databases. In summary, NM_000133.3(F9):c.785T>C(I262T) is a missense variant that has been observed more frequently in cases with the relevant disease than in healthy populations. Please note: this variant was assessed in the context of healthy population screening.

Literature cited by the submitters: PubMed 15086324; PubMed 1873221; PubMed 2198809; PubMed 29296726.